The following is an entry in ClinVar:

NM_006941.4(SOX10):c.717C>G (p.Pro239=)

Genes: POLR2F (RNA polymerase II, I and III subunit F; plus strand), SOX10 (SRY-box transcription factor 10; minus strand). Cytogenetic location: 22q13.1.
Variant type: single nucleotide variant.
Coding change: c.717C>G on transcript NM_006941.4 (MANE Select); coding-DNA position 717, C replaced by G.
Protein change: p.Pro239=; no amino-acid change (proline 239 retained).
Molecular consequence: synonymous variant. On other transcripts: intron variant (3).
Genome position (GRCh38, 1-based): chr22:37,974,179, G>C on the plus strand (C>G on the coding strand, the complement: SOX10 is on the minus strand). VCF-style: chr22-37974179-G-C. GRCh37 (hg19) VCF-style: chr22-38370186-G-C.
Other names: c.*38+1869G>C (NM_001363825.1); c.293+7009G>C (NM_001301130.2, NM_001301131.2).
Identifiers: ClinVar variation 505407 (VCV000505407.7), dbSNP rs766963456, ClinGen allele CA10228602.

ClinVar aggregate classification (germline): Likely benign. Review status: criteria provided, multiple submitters, no conflicts (2 of 4 stars). 2 submissions from 2 submitters: Likely benign (2). Last evaluated 2025-02-27.

Allele frequency attached by ClinVar (database versions not stated): gnomAD exomes 0.00001; gnomAD 0.00002 and 0.00001; TOPMed 0.00002; ExAC 0.00001.
gnomAD v4.1: 25 of 1,605,238 alleles (0.0016%); highest among the groups gnomAD compares: Non-Finnish European, 0.0019%; no homozygotes.

Submissions (2):

Women's Health and Genetics/Laboratory Corporation of America, LabCorp
Classification: Likely benign. Last evaluated: 2025-02-27. Review status: criteria provided, single submitter. Criteria: LabCorp Variant Classification Summary - May 2015. Collection method: clinical testing. Allele origin: germline.

Laboratory for Molecular Medicine, Mass General Brigham Personalized Medicine
Classification: Likely benign. Last evaluated: 2016-11-21. Review status: criteria provided, single submitter. Criteria: LMM Criteria. Collection method: clinical testing. Allele origin: germline. Observed: 1 variant allele.
Comment: p.Pro239Pro in exon 4 of SOX10: This variant is not expected to have clinical si gnificance because it does not alter an amino acid residue and is not located wi thin the splice consensus sequence. It has been identified in 1/64150 European c hromosomes by the Exome Aggregation Consortium (ExAC .org; dbSNP rs766963456).